The following is an entry in ClinVar:

NM_004924.6(ACTN4):c.1190A>G (p.Tyr397Cys)

Gene: ACTN4 (actinin alpha 4; plus strand). Cytogenetic location: 19q13.2.
Variant type: single nucleotide variant.
Coding change: c.1190A>G on transcript NM_004924.6 (MANE Select); coding-DNA position 1190, A replaced by G.
Protein change: p.Tyr397Cys; replaces tyrosine 397 with cysteine.
Molecular consequence: missense variant.
Genome position (GRCh38, 1-based): chr19:38,717,973, A>G. VCF-style: chr19-38717973-A-G. GRCh37 (hg19) VCF-style: chr19-39208613-A-G.
Other names: c.1190A>G, p.Tyr397Cys (NM_001322033.2, NM_001411143.1, NM_001440296.1 and 2 more transcripts); c.938A>G, p.Tyr313Cys (NM_001440299.1); short protein forms Y313C, Y397C.
Identifiers: ClinVar variation 5009756 (VCV005009756.1).
Genomic context (GRCh38, chr19:38,717,973, plus strand): 5'-CTGCCCTGCCCCAGGACATCAACAATGGCTGGCAGCACTTGGAGCAGGCTGAGAAGGGCT[A>G]CGAGGAGTGGCTGCTGAATGAGATCCGCAGGCTGGAGCGGCTCGACCACCTGGCAGAGAA-3'
Protein context (NP_004915.2, residues 387-407): WQHLEQAEKG[Tyr397Cys]EEWLLNEIRR

ClinVar aggregate classification (germline): Uncertain significance (1 of 4 stars; one submission).

Submission:

GeneDx
Classification: Uncertain significance. Last evaluated: 2026-02-23. Review status: criteria provided, single submitter. Criteria: GeneDx Variant Classification Process June 2021. Collection method: clinical testing. Allele origin: germline.
Comment: Not observed at significant frequency in large population cohorts (gnomAD); In silico analysis supports that this missense variant has a deleterious effect on protein structure/function; Has not been previously published as pathogenic or benign to our knowledge